The following is an entry in ClinVar:

NM_201253.3(CRB1):c.4005+1G>C

Gene: CRB1 (crumbs cell polarity complex component 1; plus strand). Cytogenetic location: 1q31.3.
Variant type: single nucleotide variant.
Coding change: c.4005+1G>C on transcript NM_201253.3 (MANE Select); the canonical splice donor site of the intron after coding-DNA position 4005, G replaced by C.
Molecular consequence: splice donor variant. On other transcripts: non-coding transcript variant (1).
Genome position (GRCh38, 1-based): chr1:197,442,293, G>C. VCF-style: chr1-197442293-G-C. GRCh37 (hg19) VCF-style: chr1-197411423-G-C.
Other names: c.3933+1G>C (NM_001257965.2); c.2397+1G>C (NM_001257966.2); c.3669+1G>C (NM_001193640.2).
Identifiers: ClinVar variation 1074495 (VCV001074495.10), dbSNP rs890453675, ClinGen allele CA344052782.
Genomic context (GRCh38, chr1:197,442,293, plus strand): 5'-CTCAACAAATTCCAGTGCCTCTGTGATGTTGCCTTTGCTGGCGAGCGCTGCGAGGTGGAC[G>C]TAAGCAGCCTCTCCTTTTATGTCTCTCTCTTATTCTGGCAGAATCTTTTTCAGCTTCTTT-3'

ClinVar aggregate classification (germline): Pathogenic (1 of 4 stars; one submission).

Conditions:
Retinitis pigmentosa 12 (RP12). Also called: RP WITH OR WITHOUT PPRPE; RP WITH OR WITHOUT PRESERVED PARAARTERIOLE RETINAL PIGMENT EPITHELIUM; RETINITIS PIGMENTOSA WITH OR WITHOUT PARAARTERIOLAR PRESERVATION OF RETINAL PIGMENT EPITHELIUM. Identifiers: Orphanet 791, MedGen C1838647, MONDO:0010818, OMIM 600105.
Leber congenital amaurosis 8 (LCA8). Identifiers: Orphanet 65, MedGen C3151202, MONDO:0013453, OMIM 613835.

Submission:

Labcorp Genetics (formerly Invitae), Labcorp
Classification: Pathogenic for Leber congenital amaurosis 8; Retinitis pigmentosa 12. Last evaluated: 2020-01-24. Review status: criteria provided, single submitter. Criteria: Invitae Variant Classification Sherloc (09022015). Collection method: clinical testing. Allele origin: germline.
Comment: For these reasons, this variant has been classified as Pathogenic. Nucleotide substitutions within the consensus splice site are a relatively common cause of aberrant splicing (PMID: 17576681, 9536098). Algorithms developed to predict the effect of sequence changes on RNA splicing suggest that this variant may disrupt the consensus splice site, but this prediction has not been confirmed by published transcriptional studies. This variant has been observed in individual(s) with CRB1-related conditions (PMID: 15024725, 23379534, 20683928). This variant is not present in population databases (ExAC no frequency). This sequence change affects a donor splice site in the last intron (intron 11) of the CRB1 gene. While this is not anticipated to result in nonsense mediated decay, it likely alters RNA splicing and results in a disrupted protein product.

Literature cited by the submitters: PubMed 17576681; PubMed 9536098; PubMed 15024725; PubMed 23379534; PubMed 20683928.